The following is an entry in ClinVar:

ClinVar aggregate classification (germline): Pathogenic (1 of 4 stars; one submission).

Conditions:
Citrin deficiency. Identifiers: Orphanet 247582, MedGen C1997910, MONDO:0016602.

Submission:

Labcorp Genetics (formerly Invitae), Labcorp
Classification: Pathogenic for Citrin deficiency. Last evaluated: 2022-07-29. Review status: criteria provided, single submitter. Criteria: Invitae Variant Classification Sherloc (09022015). Collection method: clinical testing. Allele origin: germline.
Comment: For these reasons, this variant has been classified as Pathogenic. Algorithms developed to predict the effect of sequence changes on RNA splicing suggest that this variant may disrupt the consensus splice site. This variant has been observed in individual(s) with citrin deficiency (Invitae). This variant is not present in population databases (gnomAD no frequency). This variant results in the deletion of part of exon 3 (c.70-12_72del) of the SLC25A13 gene. It is expected to disrupt RNA splicing. Variants that disrupt the donor or acceptor splice site typically lead to a loss of protein function (PMID: 16199547), and loss-of-function variants in SLC25A13 are known to be pathogenic (PMID: 10369257, 14680984, 27405544).

Literature cited by the submitters: PubMed 16199547; PubMed 10369257; PubMed 14680984; PubMed 27405544.

NM_014251.3(SLC25A13):c.70-12_72del

Gene: SLC25A13 (solute carrier family 25 member 13; minus strand). Cytogenetic location: 7q21.3.
Variant type: Deletion.
Coding change: c.70-12_72del on transcript NM_014251.3 (MANE Select); 12 bases into the intron before coding-DNA position 70 through coding-DNA position 72, 15 bases deleted (TTTTTTAAACAGTAT).
Molecular consequence: splice acceptor variant.
Genome position (GRCh38, 1-based): chr7:96,277,336-96,277,350, ATACTGTTTAAAAAA deleted on the plus strand (TTTTTTAAACAGTAT on the coding strand, the reverse complement: SLC25A13 is on the minus strand); deleting any 15 consecutive bases within chr7:96,277,336-96,277,351 gives the same sequence; the c. name uses the placement nearest the transcript's 3' end. VCF-style (leftmost placement, unchanged base first): chr7-96277335-CATACTGTTTAAAAAA-C. GRCh37 (hg19) VCF-style: chr7-95906647-CATACTGTTTAAAAAA-C.
Other names: c.70-12_72del (NM_001160210.2).
Identifiers: ClinVar variation 2122706 (VCV002122706.4), dbSNP rs2486089519, ClinGen allele CA2580077916.